The following is an entry in ClinVar:

NM_030665.4(RAI1):c.3368C>T (p.Pro1123Leu)

Gene: RAI1 (retinoic acid induced 1; plus strand). Cytogenetic location: 17p11.2.
Variant type: single nucleotide variant.
Coding change: c.3368C>T on transcript NM_030665.4 (MANE Select); coding-DNA position 3368, C replaced by T.
Protein change: p.Pro1123Leu; replaces proline 1123 with leucine.
Molecular consequence: missense variant.
Genome position (GRCh38, 1-based): chr17:17,796,316, C>T. VCF-style: chr17-17796316-C-T. GRCh37 (hg19) VCF-style: chr17-17699630-C-T.
Other names: short protein forms P1123L.
Identifiers: ClinVar variation 4977827 (VCV004977827.1).

ClinVar aggregate classification (germline): Uncertain significance (1 of 4 stars; one submission).

Conditions:
RAI1-related disorder. Also called: RAI1-related condition.

Submission:

PreventionGenetics, part of Exact Sciences
Classification: Uncertain significance for RAI1-related condition. Last evaluated: 2024-12-05. Review status: criteria provided, single submitter. Criteria: ACMG Guidelines, 2015. Collection method: clinical testing. Allele origin: germline.
Comment: The RAI1 c.3368C>T variant is predicted to result in the amino acid substitution p.Pro1123Leu. To our knowledge, this variant has not been reported in the literature or a large population database (gnomAD), indicating this variant is rare. At this time, the clinical significance of this variant is uncertain due to the absence of conclusive functional and genetic evidence.